The following is an entry in ClinVar:

NM_001098671.2(RASGRP2):c.1157C>T (p.Pro386Leu)

Gene: RASGRP2 (RAS guanyl releasing protein 2; minus strand). Cytogenetic location: 11q13.1.
Variant type: single nucleotide variant.
Coding change: c.1157C>T on transcript NM_001098671.2 (MANE Select); coding-DNA position 1157, C replaced by T.
Protein change: p.Pro386Leu; replaces proline 386 with leucine.
Molecular consequence: missense variant.
Genome position (GRCh38, 1-based): chr11:64,735,919, G>A on the plus strand (C>T on the coding strand, the complement: RASGRP2 is on the minus strand). VCF-style: chr11-64735919-G-A. GRCh37 (hg19) VCF-style: chr11-64503391-G-A.
Other names: p.Pro386Leu; c.722C>T, p.Pro241Leu (NM_001318398.2); c.1157C>T, p.Pro386Leu (NM_001440690.1, NM_001440691.1, NM_001440692.1 and 9 more transcripts); c.1154C>T, p.Pro385Leu (NM_001440700.1, NM_001440701.1, NM_001440702.1); c.1244C>T, p.Pro415Leu (NM_001440703.1, NM_001440704.1); c.1241C>T, p.Pro414Leu (NM_001440705.1); short protein forms P386L, P241L, P415L, P414L, P385L.
Identifiers: ClinVar variation 4541630 (VCV004541630.1).

ClinVar aggregate classification (germline): Uncertain significance (1 of 4 stars; one submission).

gnomAD v4.1: 201 of 1,613,848 alleles (0.012%); highest among the groups gnomAD compares: African/African-American, 0.15%; 1 homozygote.

Submission:

Mayo Clinic Laboratories, Mayo Clinic
Classification: Uncertain significance. Last evaluated: 2025-01-09. Review status: criteria provided, single submitter. Criteria: ACMG Guidelines, 2015. Collection method: clinical testing. Allele origin: germline. Observed: 1 variant allele.
Comment: PP3, PM1_supporting